The following is an entry in ClinVar:

ClinVar aggregate classification (germline): Conflicting classifications of pathogenicity. Review status: criteria provided, conflicting classifications (1 of 4 stars). 3 submissions from 3 submitters: Uncertain significance (1); Likely benign (1). 1 of the submissions does not count toward it. Last evaluated 2025-11-03.

Conditions:
TRPS1-related disorder. Also called: TRPS1-related condition.
Trichorhinophalangeal syndrome, type III (TRPS3). Also called: SUGIO-KAJII SYNDROME. Identifiers: Orphanet 77258, MedGen C1860823, OMIM 190351, MONDO:0008597.
Trichorhinophalangeal dysplasia type I (TRPS1). Also called: TRPS I; TRICHORHINOPHALANGEAL SYNDROME, TYPE I. Identifiers: Orphanet 77258, MedGen C0432233, MONDO:0008596, OMIM 190350.

Allele frequency attached by ClinVar (database versions not stated): gnomAD exomes 0.00006 and 0.00014; ExAC 0.00017; 1000 Genomes Project 30x 0.00031; 1000 Genomes Project 0.00040; ESP Exome Variant Server 0.00050; gnomAD 0.00055 and 0.00059; TOPMed 0.00060.
gnomAD v4.1: 176 of 1,613,992 alleles (0.011%); highest among the groups gnomAD compares: African/African-American, 0.18%; no homozygotes.

Submissions (3):

Labcorp Genetics (formerly Invitae), Labcorp
Classification: Likely benign for Trichorhinophalangeal syndrome, type III; Trichorhinophalangeal dysplasia type I. Last evaluated: 2025-11-03. Review status: criteria provided, single submitter. Criteria: Invitae Variant Classification Sherloc (09022015). Collection method: clinical testing. Allele origin: germline.

Eurofins Ntd Llc (ga)
Classification: Uncertain significance. Last evaluated: 2016-12-22. Review status: criteria provided, single submitter. Criteria: EGL Classification Definitions 2015. Collection method: clinical testing. Allele origin: germline. Observed: 2 variant alleles, 2 heterozygotes.

PreventionGenetics, part of Exact Sciences
Classification: Likely benign for TRPS1-related condition. Last evaluated: 2022-07-06. Review status: no assertion criteria provided. Collection method: clinical testing. Allele origin: germline. Not counted in ClinVar's aggregate classification.
Comment: This variant is classified as likely benign based on ACMG/AMP sequence variant interpretation guidelines (Richards et al. 2015 PMID: 25741868, with internal and published modifications).

NM_014112.5(TRPS1):c.3328C>T (p.Leu1110Phe)

Gene: TRPS1 (transcriptional repressor GATA binding 1; minus strand). Cytogenetic location: 8q23.3.
Variant type: single nucleotide variant.
Coding change: c.3328C>T on transcript NM_014112.5 (MANE Select); coding-DNA position 3328, C replaced by T.
Protein change: p.Leu1110Phe; replaces leucine 1110 with phenylalanine.
Molecular consequence: missense variant.
Genome position (GRCh38, 1-based): chr8:115,414,580, G>A on the plus strand (C>T on the coding strand, the complement: TRPS1 is on the minus strand). VCF-style: chr8-115414580-G-A. GRCh37 (hg19) VCF-style: chr8-116426808-G-A.
Other names: c.3301C>T, p.Leu1101Phe (NM_001282902.3); c.3307C>T, p.Leu1103Phe (NM_001282903.3); c.3289C>T, p.Leu1097Phe (NM_001330599.2); short protein forms L1110F, L1103F, L1097F, L1101F.
Identifiers: ClinVar variation 286562 (VCV000286562.16), dbSNP rs148023627, ClinGen allele CA4851504.
Genomic context (GRCh38, chr8:115,414,580, plus strand): 5'-ATTTACTCCAGAACCGCAGCCAATCAGCTTCACTCTGGAAGTCATTATGTACAAAGGGAA[G>A]TCCAAAAAGTGGGTACTGGTACTTTTCAATAGGGCTGCCTGGTGGTGAATAATTTGGGTG-3'
Protein context (NP_054831.2, residues 1100-1120): IEKYQYPLFG[Leu1110Phe]PFVHNDFQSE